The following is an entry in ClinVar:

ClinVar aggregate classification (germline): Uncertain significance. Review status: criteria provided, multiple submitters, no conflicts (2 of 4 stars). 2 submissions from 2 submitters: Uncertain significance (2). Last evaluated 2024-11-11.

Conditions:
Inborn genetic diseases. Identifiers: MedGen C0950123, MeSH D030342.

Allele frequency attached by ClinVar (database versions not stated): gnomAD exomes 0.00007 and 0.00002; ExAC 0.00003; TOPMed below 0.00001; gnomAD 0.00001.
gnomAD v4.1: 101 of 1,611,896 alleles (0.0063%); highest among the groups gnomAD compares: Non-Finnish European, 0.0084%; no homozygotes.

Submissions (2):

Labcorp Genetics (formerly Invitae), Labcorp
Classification: Uncertain significance. Last evaluated: 2024-11-11. Review status: criteria provided, single submitter. Criteria: Invitae Variant Classification Sherloc (09022015). Collection method: clinical testing. Allele origin: germline.
Comment: This sequence change replaces lysine, which is basic and polar, with asparagine, which is neutral and polar, at codon 754 of the AP3B2 protein (p.Lys754Asn). This variant is present in population databases (rs746344194, gnomAD 0.004%). This variant has not been reported in the literature in individuals affected with AP3B2-related conditions. ClinVar contains an entry for this variant (Variation ID: 1445469). An algorithm developed to predict the effect of missense changes on protein structure and function (PolyPhen-2) suggests that this variant¬†is likely to be tolerated. In summary, the available evidence is currently insufficient to determine the role of this variant in disease. Therefore, it has been classified as a Variant of Uncertain Significance.

Ambry Genetics
Classification: Uncertain significance for Inborn genetic diseases. Last evaluated: 2024-08-14. Review status: criteria provided, single submitter. Criteria: Ambry Variant Classification Scheme 2023. Collection method: clinical testing. Allele origin: germline.

NM_001278512.2(AP3B2):c.2319A>C (p.Lys773Asn)

Genes: AP3B2 (adaptor related protein complex 3 subunit beta 2; minus strand), CPEB1-AS1 (CPEB1 antisense RNA 1; plus strand). Cytogenetic location: 15q25.2.
Variant type: single nucleotide variant.
Coding change: c.2319A>C on transcript NM_001278512.2 (MANE Select); coding-DNA position 2319, A replaced by C.
Protein change: p.Lys773Asn; replaces lysine 773 with asparagine.
Molecular consequence: missense variant.
Genome position (GRCh38, 1-based): chr15:82,663,918, T>G on the plus strand (A>C on the coding strand, the complement: AP3B2 is on the minus strand). VCF-style: chr15-82663918-T-G. GRCh37 (hg19) VCF-style: chr15-83332670-T-G.
Other names: c.2166A>C, p.Lys722Asn (NM_001278511.2); c.2262A>C, p.Lys754Asn (NM_004644.5); c.2262A>C (NM_004644.3); short protein forms K754N, K773N, K722N.
Identifiers: ClinVar variation 1445469 (VCV001445469.8), dbSNP rs746344194, ClinGen allele CA7699950.